The following is an entry in ClinVar:

ClinVar aggregate classification (germline): Uncertain significance (1 of 4 stars; one submission).

Conditions:
Glycogen storage disease type III (GSD3). Also called: FORBES DISEASE; Cori disease. Identifiers: Orphanet 366, MedGen C0017922, MONDO:0009291, OMIM 232400.

Submission:

Labcorp Genetics (formerly Invitae), Labcorp
Classification: Uncertain significance for Glycogen storage disease type III. Last evaluated: 2024-09-30. Review status: criteria provided, single submitter. Criteria: Invitae Variant Classification Sherloc (09022015). Collection method: clinical testing. Allele origin: germline.
Comment: This sequence change replaces phenylalanine, which is neutral and non-polar, with serine, which is neutral and polar, at codon 432 of the AGL protein (p.Phe432Ser). This variant is not present in population databases (gnomAD no frequency). This variant has not been reported in the literature in individuals affected with AGL-related conditions. Invitae Evidence Modeling of protein sequence and biophysical properties (such as structural, functional, and spatial information, amino acid conservation, physicochemical variation, residue mobility, and thermodynamic stability) indicates that this missense variant is not expected to disrupt AGL protein function with a negative predictive value of 80%. In summary, the available evidence is currently insufficient to determine the role of this variant in disease. Therefore, it has been classified as a Variant of Uncertain Significance.

NM_000642.3(AGL):c.1295T>C (p.Phe432Ser)

Gene: AGL (amylo-alpha-1,6-glucosidase and 4-alpha-glucanotransferase; plus strand). Cytogenetic location: 1p21.2.
Variant type: single nucleotide variant.
Coding change: c.1295T>C on transcript NM_000642.3 (MANE Select); coding-DNA position 1295, T replaced by C.
Protein change: p.Phe432Ser; replaces phenylalanine 432 with serine.
Molecular consequence: missense variant.
Genome position (GRCh38, 1-based): chr1:99,876,469, T>C. VCF-style: chr1-99876469-T-C. GRCh37 (hg19) VCF-style: chr1-100342025-T-C.
Other names: c.1295T>C, p.Phe432Ser (NM_000028.3, NM_000643.3, NM_000644.3 and 2 more transcripts); c.1247T>C, p.Phe416Ser (NM_000646.3); c.1094T>C, p.Phe365Ser (NM_001425327.1); c.1091T>C, p.Phe364Ser (NM_001425328.1, NM_001425329.1); c.917T>C, p.Phe306Ser (NM_001425332.1); short protein forms F365S, F416S, F432S, F364S, F306S.
Identifiers: ClinVar variation 3696035 (VCV003696035.2).